The following is an entry in ClinVar:

NM_176824.3(BBS7):c.340A>G (p.Met114Val)

Gene: BBS7 (Bardet-Biedl syndrome 7; minus strand). Cytogenetic location: 4q27.
Variant type: single nucleotide variant.
Coding change: c.340A>G on transcript NM_176824.3 (MANE Select); coding-DNA position 340, A replaced by G.
Protein change: p.Met114Val; replaces methionine 114 with valine.
Molecular consequence: missense variant.
Genome position (GRCh38, 1-based): chr4:121,861,505, T>C on the plus strand (A>G on the coding strand, the complement: BBS7 is on the minus strand). VCF-style: chr4-121861505-T-C. GRCh37 (hg19) VCF-style: chr4-122782660-T-C.
Other names: c.340A>G, p.Met114Val (NM_018190.4); short protein forms M114V.
Identifiers: ClinVar variation 999035 (VCV000999035.5), dbSNP rs142305911, ClinGen allele CA3064542.

ClinVar aggregate classification (germline): Uncertain significance. Review status: criteria provided, multiple submitters, no conflicts (2 of 4 stars). 2 submissions from 2 submitters: Uncertain significance (2). Last evaluated 2025-03-17.

Conditions:
Bardet-Biedl syndrome 7 (BBS7). Identifiers: Orphanet 110, MedGen C1859565, MONDO:0014435, OMIM 615984.
Bardet-Biedl syndrome (BBS). Identifiers: Orphanet 110, MedGen C0752166, MONDO:0015229.

Allele frequency attached by ClinVar (database versions not stated): TOPMed 0.00006.

Submissions (3):

Labcorp Genetics (formerly Invitae), Labcorp
Classification: Uncertain significance for Bardet-Biedl syndrome. Last evaluated: 2025-03-17. Review status: criteria provided, single submitter. Criteria: Invitae Variant Classification Sherloc (09022015). Collection method: clinical testing. Allele origin: germline.
Comment: This sequence change replaces methionine, which is neutral and non-polar, with valine, which is neutral and non-polar, at codon 114 of the BBS7 protein (p.Met114Val). This variant is present in population databases (rs142305911, gnomAD 0.009%). This missense change has been observed in individual(s) with Bardet-Biedl syndrome (BBS) (PMID: 16308660). ClinVar contains an entry for this variant (Variation ID: 999035). An algorithm developed to predict the effect of missense changes on protein structure and function (PolyPhen-2) suggests that this variant is likely to be disruptive. In summary, the available evidence is currently insufficient to determine the role of this variant in disease. Therefore, it has been classified as a Variant of Uncertain Significance.

Fulgent Genetics
Classification: Uncertain significance for Bardet-Biedl syndrome 7. Last evaluated: 2022-04-16. Review status: criteria provided, single submitter. Criteria: ACMG Guidelines, 2015. Collection method: clinical testing. Allele origin: unknown.

Dr. Peter K. Rogan Lab, Western University
No classification provided (evidence only). Condition: Ovarian cancer. Review status: no classification provided. Collection method: in vitro. Allele origin: not applicable. Functional consequence: retained intron. Not counted in ClinVar's aggregate classification.

Literature cited by the submitters: PubMed 16308660 (cited by Labcorp Genetics (formerly Invitae), Labcorp).